The following is an entry in ClinVar:

ClinVar aggregate classification (germline): Uncertain significance. Review status: criteria provided, multiple submitters, no conflicts (2 of 4 stars). 3 submissions from 3 submitters: Uncertain significance (3). Last evaluated 2026-02-25.

Conditions:
CYP21A2-related disorder. Also called: CYP21A2-related condition.

Allele frequency attached by ClinVar (database versions not stated): gnomAD exomes 0.00011 and 0.00019; ExAC 0.00069; ESP Exome Variant Server 0.00088; gnomAD 0.00114 and 0.00122; TOPMed 0.00125; 1000 Genomes Project 0.00160; 1000 Genomes Project 30x 0.00172.
gnomAD v4.1: 318 of 1,418,614 alleles (0.022%); highest among the groups gnomAD compares: African/African-American, 0.41%; 1 homozygote.

Submissions (3):

PreventionGenetics, part of Exact Sciences
Classification: Uncertain significance for CYP21A2-related condition. Last evaluated: 2026-02-25. Review status: criteria provided, single submitter. Criteria: ACMG Guidelines, 2015. Collection method: clinical testing. Allele origin: germline.
Comment: The CYP21A2 c.227G>A variant is predicted to result in the amino acid substitution p.Arg76Lys. This variant was reported as p.R75K in a structure-based activity prediction of CYP21A2 stability variants, but the in vitro residual activity was not determined (Table S1, Bruque et al. 2016. PubMed ID: 27966633). The p.Arg76 residue is weakly conserved and at this position is a lysine (Lys) in rat. This variant is reported in 0.37% of alleles in individuals of African descent in gnomAD. This variant falls within a highly paralogous region. Allele frequency data should be interpreted with caution. Although we suspect this variant could be benign, at this time, the clinical significance of this variant is uncertain due to the absence of conclusive functional and genetic evidence.

Athena Diagnostics
Classification: Uncertain significance. Last evaluated: 2025-04-16. Review status: criteria provided, single submitter. Criteria: Athena Diagnostics Criteria. Collection method: clinical testing. Allele origin: unknown.
Comment: Available data are insufficient to determine the clinical significance of the variant at this time. This variant is located in a genomic region of low or unreliable sequencing quality, and therefore estimations of its population frequency are uninformative in assessment of variant pathogenicity. Polyphen and MutationTaster predict this amino acid change may be benign.

Blueprint Genetics
Classification: Uncertain significance. Last evaluated: 2024-07-09. Review status: criteria provided, single submitter. Criteria: ACMG Guidelines, 2015. Collection method: clinical testing. Allele origin: germline.

Literature cited by the submitters: PubMed 27966633 (cited by Athena Diagnostics).

NM_000500.9(CYP21A2):c.227G>A (p.Arg76Lys)

Genes: CYP21A2 (cytochrome P450 family 21 subfamily A member 2; plus strand), LOC106780800 (CYP21A2 recombination region; plus strand). Cytogenetic location: 6p21.33.
Variant type: single nucleotide variant.
Coding change: c.227G>A on transcript NM_000500.9 (MANE Select); coding-DNA position 227, G replaced by A.
Protein change: p.Arg76Lys; replaces arginine 76 with lysine.
Molecular consequence: missense variant. On other transcripts: 5 prime UTR variant (1), intron variant (2).
Genome position (GRCh38, 1-based): chr6:32,038,746, G>A. VCF-style: chr6-32038746-G-A. GRCh37 (hg19) VCF-style: chr6-32006523-G-A.
Other names: c.-198G>A (NM_001368143.2); c.-133+122G>A (NM_001368144.2); c.202+122G>A (NM_001128590.4); short protein forms R76K.
Identifiers: ClinVar variation 585751 (VCV000585751.5), dbSNP rs368330593, ClinGen allele CA3732299.